The following is an entry in ClinVar:

ClinVar aggregate classification (germline): Uncertain significance (1 of 4 stars; one submission).

Conditions:
Medulloblastoma (MDB). Also called: MEDULLOBLASTOMA PREDISPOSITION SYNDROME; Medulloblastoma, somatic. Identifiers: Orphanet 616, MedGen C0025149, MeSH D008527, MONDO:0007959, OMIM 155255, HP:0002885.
Gorlin syndrome. Also called: Basal cell nevus syndrome; Nevoid Basal Cell Carcinoma Syndrome. Identifiers: Orphanet 377, MedGen C0004779, MONDO:0007187.

Submission:

Labcorp Genetics (formerly Invitae), Labcorp
Classification: Uncertain significance for Gorlin syndrome; Medulloblastoma. Last evaluated: 2021-06-01. Review status: criteria provided, single submitter. Criteria: Invitae Variant Classification Sherloc (09022015). Collection method: clinical testing. Allele origin: germline.
Comment: This variant is not present in population databases (ExAC no frequency). In summary, the available evidence is currently insufficient to determine the role of this variant in disease. Therefore, it has been classified as a Variant of Uncertain Significance. Algorithms developed to predict the effect of sequence changes on RNA splicing suggest that this variant may create or strengthen a splice site, but this prediction has not been confirmed by published transcriptional studies. Algorithms developed to predict the effect of missense changes on protein structure and function (SIFT, PolyPhen-2, Align-GVGD) all suggest that this variant is likely to be tolerated, but these predictions have not been confirmed by published functional studies and their clinical significance is uncertain. This variant has not been reported in the literature in individuals with SUFU-related conditions. This sequence change replaces asparagine with serine at codon 328 of the SUFU protein (p.Asn328Ser). The asparagine residue is moderately conserved and there is a small physicochemical difference between asparagine and serine.

NM_016169.4(SUFU):c.983A>G (p.Asn328Ser)

Gene: SUFU (SUFU negative regulator of hedgehog signaling; plus strand). Cytogenetic location: 10q24.32.
Variant type: single nucleotide variant.
Coding change: c.983A>G on transcript NM_016169.4 (MANE Select); coding-DNA position 983, A replaced by G.
Protein change: p.Asn328Ser; replaces asparagine 328 with serine.
Molecular consequence: missense variant.
Genome position (GRCh38, 1-based): chr10:102,599,505, A>G. VCF-style: chr10-102599505-A-G. GRCh37 (hg19) VCF-style: chr10-104359262-A-G.
Other names: c.983A>G, p.Asn328Ser (NM_001178133.2); short protein forms N328S.
Identifiers: ClinVar variation 1358115 (VCV001358115.8), dbSNP rs2135888901, ClinGen allele CA377911138.